The following is an entry in ClinVar:

NM_002386.4(MC1R):c.*581A>G

Gene: MC1R (melanocortin 1 receptor; plus strand). Cytogenetic location: 16q24.3.
Variant type: single nucleotide variant.
Coding change: c.*581A>G on transcript NM_002386.4 (MANE Select); 581 bases downstream of the stop codon, A replaced by G.
Molecular consequence: 3 prime UTR variant.
Genome position (GRCh38, 1-based): chr16:89,920,793, A>G. VCF-style: chr16-89920793-A-G. GRCh37 (hg19) VCF-style: chr16-89987201-A-G.
Identifiers: ClinVar variation 321454 (VCV000321454.6), dbSNP rs3212371, ClinGen allele CA8255847.

ClinVar aggregate classification (germline): Benign. Review status: criteria provided, multiple submitters, no conflicts (2 of 4 stars). 2 submissions from 2 submitters: Benign (2). Last evaluated 2018-01-13.

Conditions:
Melanoma, cutaneous malignant, susceptibility to, 5. Also called: Cutaneous malignant melanoma 5. Identifiers: Orphanet 618, MedGen C2751295, MONDO:0013133, OMIM 613099.

Allele frequency attached by ClinVar (database versions not stated): 1000 Genomes Project 30x 0.21455; gnomAD 0.16405 and 0.16251; 1000 Genomes Project 0.21446; gnomAD exomes 0.11959 and 0.13342; TOPMed 0.16539; ExAC 0.19303.
gnomAD v4.1: 87,829 of 675,172 alleles (13%); highest among the groups gnomAD compares: African/African-American, 29%; 7,328 homozygotes.

Submissions (2):

Illumina Laboratory Services, Illumina
Classification: Benign for Melanoma, cutaneous malignant, susceptibility to, 5. Last evaluated: 2018-01-13. Review status: criteria provided, single submitter. Criteria: ICSL Variant Classification Criteria 13 December 2019. Collection method: clinical testing. Allele origin: germline.
Comment: This variant was observed in the ICSL laboratory as part of a predisposition screen in an ostensibly healthy population. It had not been previously curated by ICSL or reported in the Human Gene Mutation Database (HGMD: prior to June 1st, 2018), and was therefore a candidate for classification through an automated scoring system. Utilizing variant allele frequency, disease prevalence and penetrance estimates, and inheritance mode, an automated score was calculated to assess if this variant is too frequent to cause the disease. Based on the score and internal cut-off values, a variant classified as benign is not then subjected to further curation. The score for this variant resulted in a classification of benign for this disease.

Breakthrough Genomics
Classification: Benign. Review status: criteria provided, single submitter. Criteria: ACMG Guidelines, 2015. Collection method: not provided. Allele origin: germline. Inheritance: Autosomal recessive inheritance. Affected: yes.